The following is an entry in ClinVar:

NM_001399.5(EDA):c.924+1G>T

Gene: EDA (ectodysplasin A; plus strand). Cytogenetic location: Xq13.1.
Variant type: single nucleotide variant.
Coding change: c.924+1G>T on transcript NM_001399.5 (MANE Select); the canonical splice donor site of the intron after coding-DNA position 924, G replaced by T.
Molecular consequence: splice donor variant. On other transcripts: intron variant (3).
Genome position (GRCh38, 1-based): chrX:70,033,529, G>T. VCF-style: chrX-70033529-G-T. GRCh37 (hg19) VCF-style: chrX-69253379-G-T.
Other names: c.924+1G>T (NM_001399.4); c.918+7G>T (NM_001005609.2); c.882+43G>T (NM_001440762.1); c.915+1G>T (NM_001440761.1); c.909+7G>T (NM_001005612.3).
Identifiers: ClinVar variation 4293653 (VCV004293653.3).
Genomic context (GRCh38, chrX:70,033,529, plus strand): 5'-CGCAGCGGGGAGCTGGAGGTACTGGTGGACGGCACCTACTTCATCTATAGTCAGGTAGAA[G>T]TGAGTACGGTCTTAGGCCTAACTCTTCTTATATCCAGAATGCAGATCCGGTGCAGGCCAC-3'

ClinVar aggregate classification (germline): Likely pathogenic. Review status: criteria provided, multiple submitters, no conflicts (2 of 4 stars). 3 submissions from 3 submitters: Likely pathogenic (3). Last evaluated 2024-12-20.

Conditions:
Hypohidrotic X-linked ectodermal dysplasia (XHED). Also called: ECTODERMAL DYSPLASIA, HYPOHIDROTIC, 1; CST SYNDROME; ECTODERMAL DYSPLASIA 1; Ectodermal Dysplasia 1, Anhidrotic; Anhidrotic ectodermal dysplasia X-linked; Christ Siemens Touraine syndrome. Identifiers: Orphanet 181, Orphanet 238468, MedGen C0162359, MONDO:0010585, OMIM 305100.
EDA-related disorder. Also called: EDA-related disorders; EDA-related condition.

Submissions (3):

PreventionGenetics, part of Exact Sciences
Classification: Likely pathogenic for EDA-related condition. Last evaluated: 2024-12-20. Review status: criteria provided, single submitter. Criteria: ACMG Guidelines, 2015. Collection method: clinical testing. Allele origin: germline.
Comment: The EDA c.924+1G>T variant is predicted to disrupt the GT donor site and interfere with normal splicing. This variant has been reported in an individual with anhidrotic ectodermal dysplasia (Conte et al. 2008. PubMed ID: 18666859). This variant has not been reported in a large population database (gnomAD), indicating this variant is rare. Variants that disrupt the consensus splice donor site in EDA are expected to be pathogenic. This variant is interpreted as likely pathogenic.

3billion
Classification: Likely pathogenic for Hypohidrotic X-linked ectodermal dysplasia. Last evaluated: 2024-07-25. Review status: criteria provided, single submitter. Criteria: ACMG Guidelines, 2015. Collection method: clinical testing. Allele origin: germline. Affected: yes.
Comment: The variant is not observed in the gnomAD v4.0.0 dataset. Predicted Consequence/Location: Canonical splice site: predicted to alter splicing and result in a loss or disruption of normal protein function. Multiple pathogenic variants are reported in the predicted truncated region. In silico tools predict the variant to alter splicing and produce an abnormal transcript [SpliceAI: 0.98 (spliceogenicity >=0.2, non-spliceogenicity <0.1)]. Therefore, this variant is classified as Likely pathogenic according to the recommendation of ACMG/AMP guideline.

Blueprint Genetics
Classification: Likely pathogenic for EDA-related disorders. Last evaluated: 2020-04-23. Review status: criteria provided, single submitter. Criteria: ACMG Guidelines, 2015. Collection method: clinical testing. Allele origin: germline. Affected: yes. Observed: 1 variant allele.